The following is an entry in ClinVar:

ClinVar aggregate classification (germline): Uncertain significance. Review status: criteria provided, multiple submitters, no conflicts (2 of 4 stars). 6 submissions from 6 submitters: Uncertain significance (5). 1 of the submissions does not count toward it. Last evaluated 2025-01-27.

Conditions:
Spermatogenic failure 72 (SPGF72). Identifiers: MedGen C5676980, MONDO:0030809, OMIM 619867.
Senior-Loken syndrome 8 (SLSN8). Identifiers: Orphanet 3156, MedGen C4225376, MONDO:0014579, OMIM 616307.
Asphyxiating thoracic dystrophy 5 (SRTD5). Also called: SHORT-RIB THORACIC DYSPLASIA 5 WITH OR WITHOUT POLYDACTYLY; SHORT-RIB THORACIC DYSPLASIA 5 WITHOUT POLYDACTYLY. Identifiers: Orphanet 474, MedGen C3280598, MONDO:0013717, OMIM 614376.
Nephronophthisis 13 (NPHP13). Identifiers: Orphanet 655, MedGen C3280612, MONDO:0013718, OMIM 614377.
Cranioectodermal dysplasia 4 (CED4). Identifiers: Orphanet 1515, MedGen C3280616, MONDO:0013719, OMIM 614378.
Inborn genetic diseases. Identifiers: MedGen C0950123, MeSH D030342.
WDR19-related disorder. Also called: WDR19-related disorders; WDR19-related condition. Identifiers: MedGen CN380161.

Allele frequency attached by ClinVar (database versions not stated): TOPMed 0.00002; gnomAD exomes 0.00003.
gnomAD v4.1: 12 of 1,610,914 alleles (0.00074%); highest among the groups gnomAD compares: Admixed American, 0.017%; no homozygotes.

Submissions (6):

Labcorp Genetics (formerly Invitae), Labcorp
Classification: Uncertain significance for Senior-Loken syndrome 8; Asphyxiating thoracic dystrophy 5. Last evaluated: 2025-01-27. Review status: criteria provided, single submitter. Criteria: Invitae Variant Classification Sherloc (09022015). Collection method: clinical testing. Allele origin: germline.
Comment: This sequence change replaces alanine, which is neutral and non-polar, with threonine, which is neutral and polar, at codon 958 of the WDR19 protein (p.Ala958Thr). This variant is present in population databases (no rsID available, gnomAD 0.02%). This variant has not been reported in the literature in individuals affected with WDR19-related conditions. ClinVar contains an entry for this variant (Variation ID: 388871). Invitae Evidence Modeling of protein sequence and biophysical properties (such as structural, functional, and spatial information, amino acid conservation, physicochemical variation, residue mobility, and thermodynamic stability) has been performed for this missense variant. However, the output from this modeling did not meet the statistical confidence thresholds required to predict the impact of this variant on WDR19 protein function. In summary, the available evidence is currently insufficient to determine the role of this variant in disease. Therefore, it has been classified as a Variant of Uncertain Significance.

Blueprint Genetics
Classification: Uncertain significance. Last evaluated: 2024-01-11. Review status: criteria provided, single submitter. Criteria: ACMG Guidelines, 2015. Collection method: clinical testing. Allele origin: germline.

Fulgent Genetics
Classification: Uncertain significance for Asphyxiating thoracic dystrophy 5; Nephronophthisis 13; Cranioectodermal dysplasia 4; Senior-Loken syndrome 8; Spermatogenic failure 72. Last evaluated: 2021-09-07. Review status: criteria provided, single submitter. Criteria: ACMG Guidelines, 2015. Collection method: clinical testing. Allele origin: unknown.

Ambry Genetics
Classification: Uncertain significance for Inborn genetic diseases. Last evaluated: 2021-07-06. Review status: criteria provided, single submitter. Criteria: Ambry Variant Classification Scheme 2023. Collection method: clinical testing. Allele origin: germline.

GeneDx
Classification: Uncertain significance. Last evaluated: 2016-08-31. Review status: criteria provided, single submitter. Criteria: GeneDx Variant Classification (06012015). Collection method: clinical testing. Allele origin: germline. Affected: yes.
Comment: The A958T variant in the WDR19 gene has not been reported previously as a pathogenic variant, nor as a benign variant, to our knowledge. The A958T variant was not observed in approximately 5,900 individuals of European and African American ancestry in the NHLBI Exome Sequencing Project, indicating it is not a common benign variant in these populations. The A958T variant is a non-conservative amino acid substitution, which is likely to impact secondary protein structure as these residues differ in polarity, charge, size and/or other properties. This substitution occurs at a position that is conserved across species. In silico analysis predicts this variant is probably damaging to the protein structure/function. We interpret A958T as a variant of uncertain significance.

PreventionGenetics, part of Exact Sciences
Classification: Uncertain significance for WDR19-related condition. Last evaluated: 2024-09-16. Review status: no assertion criteria provided. Collection method: clinical testing. Allele origin: germline. Not counted in ClinVar's aggregate classification.
Comment: The WDR19 c.2872G>A variant is predicted to result in the amino acid substitution p.Ala958Thr. To our knowledge, this variant has not been reported in the literature. This variant is reported in 0.021% of alleles in individuals of Latino descent in gnomAD. At this time, the clinical significance of this variant is uncertain due to the absence of conclusive functional and genetic evidence.

NM_025132.4(WDR19):c.2872G>A (p.Ala958Thr)

Gene: WDR19 (WD repeat domain 19; plus strand). Cytogenetic location: 4p14.
Variant type: single nucleotide variant.
Coding change: c.2872G>A on transcript NM_025132.4 (MANE Select); coding-DNA position 2872, G replaced by A.
Protein change: p.Ala958Thr; replaces alanine 958 with threonine.
Molecular consequence: missense variant.
Genome position (GRCh38, 1-based): chr4:39,253,288, G>A. VCF-style: chr4-39253288-G-A. GRCh37 (hg19) VCF-style: chr4-39254908-G-A.
Other names: c.2392G>A, p.Ala798Thr (NM_001317924.2); short protein forms A958T, A798T.
Identifiers: ClinVar variation 388871 (VCV000388871.9), dbSNP rs1057523257, ClinGen allele CA16604616.